The following is an entry in ClinVar:

ClinVar aggregate classification (germline): Likely pathogenic (1 of 4 stars; one submission).

Conditions:
Methylmalonic aciduria, cblA type (MACA). Also called: Methylmalonic aciduria, vitamin B12-responsive; Vitamin B12-responsive methylmalonic acidemia type cblA; Methylmalonic aciduria, vitamin b12-responsive, due to defect in synthesis of adenosylcobalamin, cbla complementation type; MMA cbl A type; Methylmalonic acidemia cblA type. Identifiers: Orphanet 28, Orphanet 79310, MedGen C1855109, MONDO:0009613, OMIM 251100.

Submission:

Natera, Inc.
Classification: Likely pathogenic for Methylmalonic aciduria cblA type. Last evaluated: 2025-10-27. Review status: criteria provided, single submitter. Criteria: Natera Variant Classification Schema (03/2026). Collection method: clinical testing. Allele origin: germline.
Comment: The c.1149dup variant in MMAA is a frameshift variant predicted to shift the reading frame beginning at codon 384 and leads to a stop codon 32 codons downstream. This variant is expected to result in nonsense mediated decay, truncation, or a dysfunctional protein product. This variant is rare in the general population with a frequency below the threshold expected for the associated phenotype(s). Given the available evidence, this variant is classified as Likely Pathogenic.

NM_172250.3(MMAA):c.1149dup (p.Thr384fs)

Gene: MMAA (metabolism of cobalamin associated A; plus strand). Cytogenetic location: 4q31.21.
Variant type: Duplication.
Coding change: c.1149dup on transcript NM_172250.3 (MANE Select); coding-DNA position 1149, one base duplicated (C; older notation c.1149dupC).
Protein change: p.Thr384fs; shifts the reading frame from threonine 384.
Molecular consequence: frameshift variant.
Genome position (GRCh38, 1-based): chr4:145,655,326, C duplicated; the last of 4 consecutive C bases (chr4:145,655,323-145,655,326); duplicating any one gives the same sequence. VCF-style (leftmost placement, unchanged base first): chr4-145655322-A-AC. GRCh37 (hg19) VCF-style: chr4-146576474-A-AC.
Other names: c.1149dup, p.Thr384fs (NM_001375644.1); short protein forms T384fs.
Identifiers: ClinVar variation 4816954 (VCV004816954.2).